The following is an entry in ClinVar:

NM_000545.8(HNF1A):c.*197G>T

Genes: C12orf43 (chromosome 12 open reading frame 43; minus strand), HNF1A (HNF1 homeobox A; plus strand). Cytogenetic location: 12q24.31.
Variant type: single nucleotide variant.
Coding change: c.*197G>T on transcript NM_000545.8 (MANE Select); 197 bases downstream of the stop codon, G replaced by T.
Molecular consequence: 3 prime UTR variant.
Genome position (GRCh38, 1-based): chr12:121,001,389, G>T. VCF-style: chr12-121001389-G-T. GRCh37 (hg19) VCF-style: chr12-121439192-G-T.
Other names: c.*2764C>A (NM_001286191.2, NM_001286196.2, NM_022895.3); c.*197G>T (NM_001306179.2, NM_001406915.1).
Identifiers: ClinVar variation 307464 (VCV000307464.8), dbSNP rs1169309, ClinGen allele CA10640435.

ClinVar aggregate classification (germline): Benign. Review status: criteria provided, multiple submitters, no conflicts (2 of 4 stars). 4 submissions from 4 submitters: Benign (3). 1 of the submissions does not count toward it. Last evaluated 2018-06-14.

Conditions:
Gestational diabetes. Also called: Diabetes mellitus, gestational; Maternal diabetes. Identifiers: MedGen C0085207, MONDO:0005406, HP:0009800.
Maturity-onset diabetes of the young type 3. Also called: MODY, type III; MODY type 3. Identifiers: Orphanet 552, MedGen C1838100, MeSH C563933, MONDO:0010894, OMIM 600496. Disease mechanism: loss of function.

Allele frequency attached by ClinVar (database versions not stated): gnomAD 0.30438 and 0.31607; TOPMed 0.30868; 1000 Genomes Project 30x 0.35041; 1000 Genomes Project 0.35982.
gnomAD v4.1: 237,465 of 644,602 alleles (37%); highest among the groups gnomAD compares: Middle Eastern, 53%; 46,881 homozygotes.

Submissions (4):

GeneDx
Classification: Benign. Last evaluated: 2018-06-14. Review status: criteria provided, single submitter. Criteria: GeneDx Variant Classification Process June 2021. Collection method: clinical testing. Allele origin: germline. Affected: yes.

Illumina Laboratory Services, Illumina
Classification: Benign for Maturity-onset diabetes of the young type 3. Last evaluated: 2018-01-13. Review status: criteria provided, single submitter. Criteria: ICSL Variant Classification Criteria 13 December 2019. Collection method: clinical testing. Allele origin: germline.
Comment: This variant was observed in the ICSL laboratory as part of a predisposition screen in an ostensibly healthy population. It had not been previously curated by ICSL or reported in the Human Gene Mutation Database (HGMD: prior to June 1st, 2018), and was therefore a candidate for classification through an automated scoring system. Utilizing variant allele frequency, disease prevalence and penetrance estimates, and inheritance mode, an automated score was calculated to assess if this variant is too frequent to cause the disease. Based on the score and internal cut-off values, a variant classified as benign is not then subjected to further curation. The score for this variant resulted in a classification of benign for this disease.

Breakthrough Genomics
Classification: Benign. Review status: criteria provided, single submitter. Criteria: ACMG Guidelines, 2015. Collection method: not provided. Allele origin: germline. Inheritance: Autosomal dominant inheritance. Affected: yes.

Clinical Genomics, Uppaluri K&H Personalized Medicine Clinic
Classification: association for Gestational diabetes. Review status: no assertion criteria provided. Collection method: research. Allele origin: somatic. Affected: yes. Not counted in ClinVar's aggregate classification.
Comment: Mutations in this gene can predispose to MODY3. It is associated with both micro and macrovascular complications of diabetes, especially cardiovascular complications. Associated with glucosuria. Good response to sulfonylureas.

Literature cited by the submitters: PubMed 35299962 (cited by Clinical Genomics, Uppaluri K&H Personalized Medicine Clinic); PubMed 9562352 (cited by Clinical Genomics, Uppaluri K&H Personalized Medicine Clinic).